The following is an entry in ClinVar:

NM_000368.5(TSC1):c.514G>A (p.Val172Met)

Gene: TSC1 (TSC complex subunit 1; minus strand). Cytogenetic location: 9q34.13.
Variant type: single nucleotide variant.
Coding change: c.514G>A on transcript NM_000368.5 (MANE Select); coding-DNA position 514, G replaced by A.
Protein change: p.Val172Met; replaces valine 172 with methionine.
Molecular consequence: missense variant.
Genome position (GRCh38, 1-based): chr9:132,921,968, C>T on the plus strand (G>A on the coding strand, the complement: TSC1 is on the minus strand). VCF-style: chr9-132921968-C-T. GRCh37 (hg19) VCF-style: chr9-135797355-C-T.
Other names: c.514G>A, p.Val172Met (NM_001162426.2); c.361G>A, p.Val121Met (NM_001162427.2); c.151G>A, p.Val51Met (NM_001362177.2); short protein forms V172M, V121M, V51M.
Identifiers: ClinVar variation 411271 (VCV000411271.25), dbSNP rs952813051, ClinGen allele CA16612590.

ClinVar aggregate classification (germline): Conflicting classifications of pathogenicity. Review status: criteria provided, conflicting classifications (1 of 4 stars). 8 submissions from 8 submitters: Uncertain significance (5); Likely benign (3). Last evaluated 2026-05-15.

Conditions:
Hereditary cancer-predisposing syndrome. Also called: Neoplastic Syndromes, Hereditary; Hereditary neoplastic syndrome; Hereditary Cancer Syndrome; Tumor predisposition. Identifiers: Orphanet 140162, MedGen C0027672, MeSH D009386, MONDO:0015356.
Tuberous sclerosis syndrome (TSC). Also called: Tuberous Sclerosis Complex; Tuberous sclerosis. Identifiers: Orphanet 805, MedGen C0041341, MONDO:0001734.
Tuberous sclerosis 1 (TSC1). Identifiers: Orphanet 805, MedGen C1854465, MONDO:0008612, OMIM 191100.

Allele frequency attached by ClinVar (database versions not stated): gnomAD exomes below 0.00001 and 0.00001; TOPMed 0.00001; gnomAD 0.00001.
gnomAD v4.1: 11 of 1,613,970 alleles (0.00068%); highest among the groups gnomAD compares: Non-Finnish European, 0.00093%; no homozygotes.

Submissions (8):

Women's Health and Genetics/Laboratory Corporation of America, LabCorp
Classification: Uncertain significance. Last evaluated: 2026-05-15. Review status: criteria provided, single submitter. Criteria: LabCorp Variant Classification Summary - May 2015. Collection method: clinical testing. Allele origin: germline.
Comment: Variant summary: TSC1 c.514G>A (p.Val172Met) results in a conservative amino acid change in the encoded protein sequence. Algorithms developed to predict the effect of missense changes on protein structure and function are either unavailable or do not agree on the potential impact of this missense change. The variant allele was found at a frequency of 4e-06 in 251372 control chromosomes. The available data on variant occurrences in the general population are insufficient to allow any conclusion about variant significance. To our knowledge, no occurrence of c.514G>A in individuals affected with TSC1-related conditions and no experimental evidence demonstrating its impact on protein function have been reported. ClinVar contains an entry for this variant (Variation ID: 411271). Based on the evidence outlined above, the variant was classified as uncertain significance.

Ambry Genetics
Classification: Uncertain significance for Hereditary cancer-predisposing syndrome. Last evaluated: 2025-10-06. Review status: criteria provided, single submitter. Criteria: Ambry Variant Classification Scheme 2023. Collection method: clinical testing. Allele origin: germline.
Comment: The c.514G>A (p.V172M) alteration is located in exon 7 (coding exon 5) of the TSC1 gene. This alteration results from a G to A substitution at nucleotide position 514, causing the valine (V) at amino acid position 172 to be replaced by a methionine (M). Based on data from gnomAD, the A allele has an overall frequency of <0.001% (1/251372) total alleles studied. The highest observed frequency was 0.001% (1/113664) of European (non-Finnish) alleles. Based on insufficient or conflicting evidence, the clinical significance of this alteration remains unclear.

Labcorp Genetics (formerly Invitae), Labcorp
Classification: Likely benign for Tuberous sclerosis 1. Last evaluated: 2025-08-29. Review status: criteria provided, single submitter. Criteria: Invitae Variant Classification Sherloc (09022015). Collection method: clinical testing. Allele origin: germline.

Color Diagnostics, LLC DBA Color Health
Classification: Uncertain significance for Tuberous sclerosis syndrome. Last evaluated: 2024-03-06. Review status: criteria provided, single submitter. Criteria: ACMG Guidelines, 2015. Collection method: clinical testing. Allele origin: germline.
Comment: This missense variant replaces valine with methionine at codon 172 of the TSC1 protein. Computational prediction is inconclusive regarding the impact of this variant on protein structure and function. To our knowledge, functional studies have not been reported for this variant. This variant has not been reported in individuals affected with TSC1-related disorders in the literature. This variant has been identified in 1/251372 chromosomes in the general population by the Genome Aggregation Database (gnomAD). The available evidence is insufficient to determine the role of this variant in disease conclusively. Therefore, this variant is classified as a Variant of Uncertain Significance.

All of Us Research Program, National Institutes of Health
Classification: Uncertain significance for Tuberous sclerosis syndrome. Last evaluated: 2023-12-13. Review status: criteria provided, single submitter. Criteria: ACMG Guidelines, 2015. Collection method: clinical testing. Allele origin: germline. Inheritance: Autosomal dominant inheritance. Observed: 7 variant alleles, 7 heterozygotes.
Comment: This missense variant replaces valine with methionine at codon 172 of the TSC1 protein. Computational prediction is inconclusive regarding the impact of this variant on protein structure and function (internally defined REVEL score threshold 0.5 < inconclusive < 0.7, PMID: 27666373). To our knowledge, functional studies have not been reported for this variant. This variant has not been reported in individuals affected with TSC1-related disorders in the literature. This variant has been identified in 1/251372 chromosomes in the general population by the Genome Aggregation Database (gnomAD). The available evidence is insufficient to determine the role of this variant in disease conclusively. Therefore, this variant is classified as a Variant of Uncertain Significance.

This study involves interpretation of variants in research participants for the purpose of population health screening. Participant phenotype was not available at the time of variant classification. Additional details can be found in publication PMID: 35346344, PMCID: PMC8962531

Sema4
Classification: Uncertain significance for Hereditary cancer-predisposing syndrome. Last evaluated: 2022-01-25. Review status: criteria provided, single submitter. Criteria: Sema4 Curation Guidelines. Collection method: curation. Allele origin: germline.
Comment: The TSC1 c.514G>A (p.V172M) variant has not been reported in the literature to our knowledge. It was observed in 1/113664 chromosomes of the Non-Finnish European subpopulation according to the Genome Aggregation Database (PMID: 32461654). This variant has been reported in ClinVar (Variation ID 411271). Functional studies have not been performed, and in silico predictions of the variant's effect on protein function are inconclusive. The overall evidence is inconsistent with ACMG/AMP requirements for a classification of benign or pathogenic. In summary, the clinical significance of this variant is currently uncertain.

Genome-Nilou Lab
Classification: Likely benign for Tuberous sclerosis 1. Last evaluated: 2021-11-07. Review status: criteria provided, single submitter. Criteria: ACMG Guidelines, 2015. Collection method: clinical testing. Allele origin: germline. Affected: no.

GeneDx
Classification: Likely benign. Last evaluated: 2021-05-26. Review status: criteria provided, single submitter. Criteria: GeneDx Variant Classification Process June 2021. Collection method: clinical testing. Allele origin: germline. Affected: yes.
Comment: In silico analysis supports that this missense variant does not alter protein structure/function; Has not been previously published in the germline as pathogenic or benign to our knowledge; This variant is associated with the following publications: (PMID: 33528079, 27149842)